The following is an entry in ClinVar:

ClinVar aggregate classification (germline): Pathogenic (1 of 4 stars; one submission).

Conditions:
Thrombophilia, X-linked, due to factor 9 defect. Identifiers: MedGen C2749016, MONDO:0010432, OMIM 300807.
Hereditary factor IX deficiency disease (HEMB). Also called: F9 DEFICIENCY; FACTOR IX DEFICIENCY; PLASMA THROMBOPLASTIN COMPONENT DEFICIENCY; Hemophilia B; Christmas Disease. Identifiers: Orphanet 98879, MedGen C0008533, MeSH D002836, MONDO:0010604, OMIM 306900.

Submission:

Labcorp Genetics (formerly Invitae), Labcorp
Classification: Pathogenic for Thrombophilia, X-linked, due to factor 9 defect; Hereditary factor IX deficiency disease. Last evaluated: 2021-02-07. Review status: criteria provided, single submitter. Criteria: Invitae Variant Classification Sherloc (09022015). Collection method: clinical testing. Allele origin: germline.
Comment: Algorithms developed to predict the effect of missense changes on protein structure and function (SIFT, PolyPhen-2, Align-GVGD) all suggest that this variant is likely to be disruptive, but these predictions have not been confirmed by published functional studies and their clinical significance is uncertain. For these reasons, this variant has been classified as Pathogenic. This variant disrupts the p.Cys178 amino acid residue in F9. Other variant(s) that disrupt this residue have been observed in individuals with F9-related conditions (PMID: 8680410, 8217825), which suggests that this may be a clinically significant amino acid residue. This variant has been observed in individual(s) with hemophilia B (PMID: 7937052, 22639855, 19699296, 22544209, 27529981). This variant is also known as T20374C and p.Cys132Arg. This variant is not present in population databases (ExAC no frequency). This sequence change replaces cysteine with arginine at codon 178 of the F9 protein (p.Cys178Arg). The cysteine residue is highly conserved and there is a large physicochemical difference between cysteine and arginine.

Literature cited by the submitters: PubMed 8680410; PubMed 8217825; PubMed 7937052; PubMed 22639855; PubMed 19699296; PubMed 22544209; PubMed 27529981.

NM_000133.4(F9):c.532T>C (p.Cys178Arg)

Gene: F9 (coagulation factor IX; plus strand). Cytogenetic location: Xq27.1.
Variant type: single nucleotide variant.
Coding change: c.532T>C on transcript NM_000133.4 (MANE Select); coding-DNA position 532, T replaced by C.
Protein change: p.Cys178Arg; replaces cysteine 178 with arginine.
Molecular consequence: missense variant.
Genome position (GRCh38, 1-based): chrX:139,551,073, T>C. VCF-style: chrX-139551073-T-C. GRCh37 (hg19) VCF-style: chrX-138633232-T-C.
Other names: c.418T>C, p.Cys140Arg (NM_001313913.2); short protein forms C140R, C178R.
Identifiers: ClinVar variation 1459950 (VCV001459950.8), dbSNP rs2148362390, ClinGen allele CA414440298.